The following is an entry in ClinVar:

NM_014908.4(DOLK):c.322G>C (p.Glu108Gln)

Gene: DOLK (dolichol kinase; minus strand). Cytogenetic location: 9q34.11.
Variant type: single nucleotide variant.
Coding change: c.322G>C on transcript NM_014908.4 (MANE Select); coding-DNA position 322, G replaced by C.
Protein change: p.Glu108Gln; replaces glutamic acid 108 with glutamine.
Molecular consequence: missense variant.
Genome position (GRCh38, 1-based): chr9:128,946,982, C>G on the plus strand (G>C on the coding strand, the complement: DOLK is on the minus strand). VCF-style: chr9-128946982-C-G. GRCh37 (hg19) VCF-style: chr9-131709261-C-G.
Other names: short protein forms E108Q.
Identifiers: ClinVar variation 1729178 (VCV001729178.2), dbSNP rs543246484, ClinGen allele CA375126618.

ClinVar aggregate classification (germline): Uncertain significance (1 of 4 stars; one submission).

Conditions:
Cardiovascular phenotype. Identifiers: MedGen CN230736.

Submission:

Ambry Genetics
Classification: Uncertain significance for Cardiovascular phenotype. Last evaluated: 2021-03-25. Review status: criteria provided, single submitter. Criteria: Ambry Variant Classification Scheme 2023. Collection method: clinical testing. Allele origin: germline.
Comment: The p.E108Q variant (also known as c.322G>C), located in coding exon 1 of the DOLK gene, results from a G to C substitution at nucleotide position 322. The glutamic acid at codon 108 is replaced by glutamine, an amino acid with highly similar properties. This amino acid position is highly conserved in available vertebrate species. In addition, this alteration is predicted to be deleterious by in silico analysis. Since supporting evidence is limited at this time, the clinical significance of this alteration remains unclear.